The following is an entry in ClinVar:

ClinVar aggregate classification (germline): Uncertain significance (1 of 4 stars; one submission).

Conditions:
Intellectual disability. Also called: Intellectual functioning disability; Intellectual developmental disorder; intellectual disabilities. Identifiers: MedGen C3714756, MeSH D008607, MONDO:0001071, HP:0001249.

Submission:

Labcorp Genetics (formerly Invitae), Labcorp
Classification: Uncertain significance for Intellectual disability. Last evaluated: 2020-12-27. Review status: criteria provided, single submitter. Criteria: Invitae Variant Classification Sherloc (09022015). Collection method: clinical testing. Allele origin: germline.
Comment: Advanced modeling of protein sequence and biophysical properties (such as structural, functional, and spatial information, amino acid conservation, physicochemical variation, residue mobility, and thermodynamic stability) performed at Invitae indicates that this missense variant is not expected to disrupt GABRB2 protein function. This variant has not been reported in the literature in individuals with GABRB2-related conditions. This variant is not present in population databases (ExAC no frequency). This sequence change replaces aspartic acid with asparagine at codon 29 of the GABRB2 protein (p.Asp29Asn). The aspartic acid residue is moderately conserved and there is a small physicochemical difference between aspartic acid and asparagine. In summary, the available evidence is currently insufficient to determine the role of this variant in disease. Therefore, it has been classified as a Variant of Uncertain Significance.

NM_001371727.1(GABRB2):c.85G>A (p.Asp29Asn)

Gene: GABRB2 (gamma-aminobutyric acid type A receptor subunit beta2; minus strand). Cytogenetic location: 5q34.
Variant type: single nucleotide variant.
Coding change: c.85G>A on transcript NM_001371727.1 (MANE Select); coding-DNA position 85, G replaced by A.
Protein change: p.Asp29Asn; replaces aspartic acid 29 with asparagine.
Molecular consequence: missense variant.
Genome position (GRCh38, 1-based): chr5:161,546,406, C>T on the plus strand (G>A on the coding strand, the complement: GABRB2 is on the minus strand). VCF-style: chr5-161546406-C-T. GRCh37 (hg19) VCF-style: chr5-160973412-C-T.
Other names: c.85G>A, p.Asp29Asn (NM_000813.3, NM_021911.3); short protein forms D29N.
Identifiers: ClinVar variation 1360802 (VCV001360802.8), dbSNP rs775606746, ClinGen allele CA362172783.
Genomic context (GRCh38, chr5:161,546,406, plus strand): 5'-TGTCATAGCCTTTCAGGAGTCTATCCACCGTCTCTTTAACCAGCGACATATTACTAGGGT[C>T]ATTGACACTAAAGAAAGAAATGACAATAAGCAGGCATCAATAAGGAAGCAGGCATAGCGT-3'
Protein context (NP_001358656.1, residues 19-39): IAAVCAQSVN[Asp29Asn]PSNMSLVKET